The following is an entry in ClinVar:

NM_001377540.1(SLMAP):c.990A>C (p.Glu330Asp)

Gene: SLMAP (sarcolemma associated protein; plus strand). Cytogenetic location: 3p14.3.
Variant type: single nucleotide variant.
Coding change: c.990A>C on transcript NM_001377540.1 (MANE Select); coding-DNA position 990, A replaced by C.
Protein change: p.Glu330Asp; replaces glutamic acid 330 with aspartic acid.
Molecular consequence: missense variant. On other transcripts: non-coding transcript variant (1).
Genome position (GRCh38, 1-based): chr3:57,864,571, A>C. VCF-style: chr3-57864571-A-C. GRCh37 (hg19) VCF-style: chr3-57850298-A-C.
Other names: c.990A>C, p.Glu330Asp (NM_001304420.3, NM_001304421.2, NM_001377538.1 and 17 more transcripts); short protein forms E330D.
Identifiers: ClinVar variation 3716412 (VCV003716412.2).

ClinVar aggregate classification (germline): Uncertain significance (1 of 4 stars; one submission).

Conditions:
Brugada syndrome. Also called: Sudden unexpected nocturnal death syndrome; Sudden unexplained nocturnal death syndrome; Sudden Unexplained Death Syndrome; Sudden Unexplained Nocturnal Death Syndrome (SUNDS). Identifiers: Orphanet 130, MedGen C1142166, MONDO:0015263.

Submission:

Labcorp Genetics (formerly Invitae), Labcorp
Classification: Uncertain significance for Brugada syndrome. Last evaluated: 2024-04-10. Review status: criteria provided, single submitter. Criteria: Invitae Variant Classification Sherloc (09022015). Collection method: clinical testing. Allele origin: germline.
Comment: This sequence change replaces glutamic acid, which is acidic and polar, with aspartic acid, which is acidic and polar, at codon 330 of the SLMAP protein (p.Glu330Asp). This variant is not present in population databases (gnomAD no frequency). This variant has not been reported in the literature in individuals affected with SLMAP-related conditions. An algorithm developed to predict the effect of missense changes on protein structure and function (PolyPhen-2) suggests that this variant is likely to be disruptive. In summary, the available evidence is currently insufficient to determine the role of this variant in disease. Therefore, it has been classified as a Variant of Uncertain Significance.